The following is an entry in ClinVar:

ClinVar aggregate classification (germline): Uncertain significance (1 of 4 stars; one submission).

Conditions:
Malignant hyperthermia, susceptibility to, 1 (MHS1). Also called: Anesthesia related hyperthermia; Malignant hyperpyrexia; Fulminating hyperpyrexia; Pharmacogenic myopathy; RYR1-Related Malignant Hyperthermia Susceptibility; Malignant hyperthermia suceptibility 1. Identifiers: Orphanet 423, MedGen C2930980, MONDO:0007783, OMIM 145600.

Allele frequency attached by ClinVar (database versions not stated): gnomAD exomes 0.00001; TOPMed 0.00001.
gnomAD v4.1: 4 of 1,613,994 alleles (0.00025%); highest among the groups gnomAD compares: South Asian, 0.0022%; 1 homozygote.

Submission:

All of Us Research Program, National Institutes of Health
Classification: Uncertain significance for Malignant hyperthermia, susceptibility to, 1. Last evaluated: 2023-08-15. Review status: criteria provided, single submitter. Criteria: ACMG Guidelines, 2015. Collection method: clinical testing. Allele origin: germline. Inheritance: Autosomal dominant inheritance. Observed: 1 variant allele, 1 heterozygote.
Comment: This study involves interpretation of variants in research participants for the purpose of population health screening. Participant phenotype was not available at the time of variant classification. Additional details can be found in publication PMID: 35346344, PMCID: PMC8962531

NM_000540.3(RYR1):c.9384C>A (p.Asn3128Lys)

Gene: RYR1 (ryanodine receptor 1; plus strand). Cytogenetic location: 19q13.2.
Variant type: single nucleotide variant.
Coding change: c.9384C>A on transcript NM_000540.3 (MANE Select); coding-DNA position 9384, C replaced by A.
Protein change: p.Asn3128Lys; replaces asparagine 3128 with lysine.
Molecular consequence: missense variant.
Genome position (GRCh38, 1-based): chr19:38,512,395, C>A. VCF-style: chr19-38512395-C-A. GRCh37 (hg19) VCF-style: chr19-39003035-C-A.
Other names: c.9384C>A, p.Asn3128Lys (NM_001042723.2); short protein forms N3128K.
Identifiers: ClinVar variation 3072834 (VCV003072834.1), dbSNP rs943627700, ClinGen allele CA308125090.